The following is an entry in ClinVar:

NM_001203.3(BMPR1B):c.801A>C (p.Lys267Asn)

Gene: BMPR1B (bone morphogenetic protein receptor type 1B; plus strand). Cytogenetic location: 4q22.3.
Variant type: single nucleotide variant.
Coding change: c.801A>C on transcript NM_001203.3 (MANE Select); coding-DNA position 801, A replaced by C.
Protein change: p.Lys267Asn; replaces lysine 267 with asparagine.
Molecular consequence: missense variant.
Genome position (GRCh38, 1-based): chr4:95,131,237, A>C. VCF-style: chr4-95131237-A-C. GRCh37 (hg19) VCF-style: chr4-96052388-A-C.
Other names: c.801A>C, p.Lys267Asn (NM_001256792.2, NM_001256794.1); c.891A>C, p.Lys297Asn (NM_001256793.2); short protein forms K267N, K297N.
Identifiers: ClinVar variation 3389566 (VCV003389566.14).
Genomic context (GRCh38, chr4:95,131,237, plus strand): 5'-TGGAAAACACTAAACCTTTTCATCTTTTTTCCTTTTAGGTTTCATTGCTGCAGATATCAA[A>C]GGGACAGGGTCCTGGACCCAGTTGTACCTAATCACAGACTATCATGAAAATGGTTCCCTT-3'
Protein context (NP_001194.1, residues 257-277): NILGFIAADI[Lys267Asn]GTGSWTQLYL

ClinVar aggregate classification (germline): Uncertain significance (1 of 4 stars; one submission).

Submission:

CeGaT Center for Human Genetics Tuebingen
Classification: Uncertain significance. Last evaluated: 2024-09-01. Review status: criteria provided, single submitter. Criteria: CeGaT Center For Human Genetics Tuebingen Variant Classification Criteria Version 2. Collection method: clinical testing. Allele origin: germline. Affected: yes. Observed: 1 variant allele.
Comment: BMPR1B: PM2